The following is an entry in ClinVar:

ClinVar aggregate classification (germline): Benign (1 of 4 stars; one submission).

Conditions:
Erythrocytosis, familial, 3 (ECYT3). Identifiers: Orphanet 247511, MedGen C1853286, MONDO:0012353, OMIM 609820.

Allele frequency attached by ClinVar (database versions not stated): 1000 Genomes Project 0.00060; TOPMed 0.00136; 1000 Genomes Project 30x 0.00203.
gnomAD v4.1: 81 of 156,766 alleles (0.052%); highest among the groups gnomAD compares: East Asian, 1.5%; no homozygotes.

Submission:

Illumina Laboratory Services, Illumina
Classification: Benign for Erythrocytosis, familial, 3. Last evaluated: 2018-01-13. Review status: criteria provided, single submitter. Criteria: ICSL Variant Classification Criteria 13 December 2019. Collection method: clinical testing. Allele origin: germline.
Comment: This variant was observed in the ICSL laboratory as part of a predisposition screen in an ostensibly healthy population. It had not been previously curated by ICSL or reported in the Human Gene Mutation Database (HGMD: prior to June 1st, 2018), and was therefore a candidate for classification through an automated scoring system. Utilizing variant allele frequency, disease prevalence and penetrance estimates, and inheritance mode, an automated score was calculated to assess if this variant is too frequent to cause the disease. Based on the score and internal cut-off values, a variant classified as benign is not then subjected to further curation. The score for this variant resulted in a classification of benign for this disease.

NM_022051.3(EGLN1):c.-379A>T

Gene: EGLN1 (egl-9 family hypoxia inducible factor 1; minus strand). Cytogenetic location: 1q42.2.
Variant type: single nucleotide variant.
Coding change: c.-379A>T on transcript NM_022051.3 (MANE Select); 379 bases upstream of the start codon, A replaced by T.
Molecular consequence: 5 prime UTR variant.
Genome position (GRCh38, 1-based): chr1:231,422,267, T>A on the plus strand (A>T on the coding strand, the complement: EGLN1 is on the minus strand). VCF-style: chr1-231422267-T-A. GRCh37 (hg19) VCF-style: chr1-231558013-T-A.
Other names: c.-379A>T (NM_001377260.1, NM_001377261.1).
Identifiers: ClinVar variation 296201 (VCV000296201.5), dbSNP rs533584823, ClinGen allele CA10609487.